The following is an entry in ClinVar:

NM_000179.3(MSH6):c.727C>A (p.Arg243Ser)

Gene: MSH6 (mutS homolog 6; plus strand). Cytogenetic location: 2p16.3.
Variant type: single nucleotide variant.
Coding change: c.727C>A on transcript NM_000179.3 (MANE Select); coding-DNA position 727, C replaced by A.
Protein change: p.Arg243Ser; replaces arginine 243 with serine.
Molecular consequence: missense variant. On other transcripts: 5 prime UTR variant (2).
Genome position (GRCh38, 1-based): chr2:47,798,710, C>A. VCF-style: chr2-47798710-C-A. GRCh37 (hg19) VCF-style: chr2-48025849-C-A.
Other names: c.337C>A, p.Arg113Ser (NM_001281492.2); c.-180C>A (NM_001281493.2, NM_001281494.2); short protein forms R113S, R243S.
Identifiers: ClinVar variation 1000961 (VCV001000961.11), dbSNP rs377216828, ClinGen allele CA073384.

ClinVar aggregate classification (germline): Uncertain significance. Review status: criteria provided, multiple submitters, no conflicts (2 of 4 stars). 2 submissions from 2 submitters: Uncertain significance (2). Last evaluated 2020-04-07.

Conditions:
Hereditary nonpolyposis colorectal neoplasms. Identifiers: MedGen C0009405, MeSH D003123.
Hereditary cancer-predisposing syndrome. Also called: Neoplastic Syndromes, Hereditary; Tumor predisposition; Hereditary Cancer Syndrome; Hereditary neoplastic syndrome. Identifiers: Orphanet 140162, MedGen C0027672, MeSH D009386, MONDO:0015356.

Submissions (2):

Labcorp Genetics (formerly Invitae), Labcorp
Classification: Uncertain significance for Hereditary nonpolyposis colorectal neoplasms. Last evaluated: 2020-04-07. Review status: criteria provided, single submitter. Criteria: Invitae Variant Classification Sherloc (09022015). Collection method: clinical testing. Allele origin: germline.
Comment: This sequence change replaces arginine with serine at codon 243 of the MSH6 protein (p.Arg243Ser). The arginine residue is weakly conserved and there is a moderate physicochemical difference between arginine and serine. This variant is present in population databases (rs377216828, ExAC 0.01%). This variant has not been reported in the literature in individuals with MSH6-related conditions. Algorithms developed to predict the effect of missense changes on protein structure and function (SIFT, PolyPhen-2, Align-GVGD) all suggest that this variant is likely to be tolerated, but these predictions have not been confirmed by published functional studies and their clinical significance is uncertain. In summary, the available evidence is currently insufficient to determine the role of this variant in disease. Therefore, it has been classified as a Variant of Uncertain Significance.

Ambry Genetics
Classification: Uncertain significance for Hereditary cancer-predisposing syndrome. Last evaluated: 2019-11-20. Review status: criteria provided, single submitter. Criteria: Ambry Variant Classification Scheme 2023. Collection method: clinical testing. Allele origin: germline.
Comment: The p.R243S variant (also known as c.727C>A), located in coding exon 4 of the MSH6 gene, results from a C to A substitution at nucleotide position 727. The arginine at codon 243 is replaced by serine, an amino acid with dissimilar properties. This amino acid position is highly conserved through mammals but not in all available vertebrate species. In addition, this alteration is predicted to be tolerated by in silico analysis. Since supporting evidence is limited at this time, the clinical significance of this alteration remains unclear.